The following is an entry in ClinVar:

ClinVar aggregate classification (germline): Pathogenic (1 of 4 stars; one submission).

Conditions:
Autosomal recessive nonsyndromic hearing loss 7. Also called: DEAFNESS, AUTOSOMAL RECESSIVE 11. Identifiers: Orphanet 90636, MedGen C1832978, MONDO:0010967, OMIM 600974.

Submission:

Institute of Rare Diseases, West China Hospital, Sichuan University
Classification: Pathogenic for Autosomal recessive nonsyndromic hearing loss 7. Last evaluated: 2025-01-09. Review status: criteria provided, single submitter. Criteria: ClinGen HL ACMG Specifications v1. Collection method: research. Allele origin: germline. Affected: yes.
Comment: PVS1;PM3;PM2_Supporting

NM_138691.3(TMC1):c.1689T>A (p.Tyr563Ter)

Gene: TMC1 (transmembrane channel like 1; plus strand). Cytogenetic location: 9q21.13.
Variant type: single nucleotide variant.
Coding change: c.1689T>A on transcript NM_138691.3 (MANE Select); coding-DNA position 1689, T replaced by A.
Protein change: p.Tyr563Ter; replaces tyrosine 563 with a stop codon.
Molecular consequence: nonsense.
Genome position (GRCh38, 1-based): chr9:72,805,504, T>A. VCF-style: chr9-72805504-T-A. GRCh37 (hg19) VCF-style: chr9-75420420-T-A.
Other names: short protein forms Y563*.
Identifiers: ClinVar variation 3601895 (VCV003601895.1).